The following is an entry in ClinVar:

NM_004817.4(TJP2):c.3322-1G>T

Gene: TJP2 (tight junction protein 2; plus strand). Cytogenetic location: 9q21.11.
Variant type: single nucleotide variant.
Coding change: c.3322-1G>T on transcript NM_004817.4 (MANE Select); the canonical splice acceptor site of the intron before coding-DNA position 3322, G replaced by T.
Molecular consequence: splice acceptor variant.
Genome position (GRCh38, 1-based): chr9:69,252,814, G>T. VCF-style: chr9-69252814-G-T. GRCh37 (hg19) VCF-style: chr9-71867730-G-T.
Other names: c.2812-1G>T (NM_001170414.2); c.3247-1G>T (NM_001369870.1); c.3253-1G>T (NM_001369871.1); c.2881-1G>T (NM_201629.3); c.3211-1G>T (NM_001369872.1); c.2998-1G>T (NM_001369873.1); c.3223-1G>T (NM_001170415.1); c.3415-1G>T (NM_001170416.2); and 2 more.
Identifiers: ClinVar variation 4686756 (VCV004686756.1).

ClinVar aggregate classification (germline): Likely pathogenic (1 of 4 stars; one submission).

Submission:

GeneDx
Classification: Likely pathogenic. Last evaluated: 2025-07-22. Review status: criteria provided, single submitter. Criteria: GeneDx Variant Classification Process June 2021. Collection method: clinical testing. Allele origin: germline. Affected: yes.
Comment: Canonical splice site variant predicted to result in a null allele in a gene for which loss of function is a known mechanism of disease; Not observed at significant frequency in large population cohorts (gnomAD); Has not been previously published as pathogenic or benign to our knowledge